The following is an entry in ClinVar:

NM_005732.4(RAD50):c.1415A>G (p.Asp472Gly)

Gene: RAD50 (RAD50 double strand break repair protein; plus strand). Cytogenetic location: 5q31.1.
Variant type: single nucleotide variant.
Coding change: c.1415A>G on transcript NM_005732.4 (MANE Select); coding-DNA position 1415, A replaced by G.
Protein change: p.Asp472Gly; replaces aspartic acid 472 with glycine.
Molecular consequence: missense variant.
Genome position (GRCh38, 1-based): chr5:132,589,800, A>G. VCF-style: chr5-132589800-A-G. GRCh37 (hg19) VCF-style: chr5-131925492-A-G.
Other names: short protein forms D472G.
Identifiers: ClinVar variation 819156 (VCV000819156.14), dbSNP rs1580993567, ClinGen allele CA360944791.
Genomic context (GRCh38, chr5:132,589,800, plus strand): 5'-AGAAGCAGAATGAGCTGAAAAATGTGAAGTATGAATTACAGCAGTTGGAAGGATCTTCAG[A>G]CAGGATTCTTGAACTGGACCAGGAGCTCATAAAAGCTGTAAGATATTGTTTGAATAATCT-3'
Protein context (NP_005723.2, residues 462-482): YELQQLEGSS[Asp472Gly]RILELDQELI

ClinVar aggregate classification (germline): Uncertain significance. Review status: criteria provided, multiple submitters, no conflicts (2 of 4 stars). 2 submissions from 2 submitters: Uncertain significance (2). Last evaluated 2024-09-04.

Conditions:
Hereditary cancer-predisposing syndrome. Also called: Tumor predisposition; Hereditary neoplastic syndrome; Neoplastic Syndromes, Hereditary; Hereditary Cancer Syndrome. Identifiers: Orphanet 140162, MedGen C0027672, MeSH D009386, MONDO:0015356.

Submissions (2):

Ambry Genetics
Classification: Uncertain significance for Hereditary cancer-predisposing syndrome. Last evaluated: 2024-09-04. Review status: criteria provided, single submitter. Criteria: Ambry Variant Classification Scheme 2023. Collection method: clinical testing. Allele origin: germline.
Comment: The p.D472G variant (also known as c.1415A>G), located in coding exon 9 of the RAD50 gene, results from an A to G substitution at nucleotide position 1415. The aspartic acid at codon 472 is replaced by glycine, an amino acid with similar properties. This amino acid position is highly conserved through mammals but not in all available vertebrate species. In addition, this alteration is predicted to be tolerated by in silico analysis. Since supporting evidence is limited at this time, the clinical significance of this alteration remains unclear.

Labcorp Genetics (formerly Invitae), Labcorp
Classification: Uncertain significance for Hereditary cancer-predisposing syndrome. Last evaluated: 2021-12-27. Review status: criteria provided, single submitter. Criteria: Invitae Variant Classification Sherloc (09022015). Collection method: clinical testing. Allele origin: germline.
Comment: This variant has not been reported in the literature in individuals affected with RAD50-related conditions. In summary, the available evidence is currently insufficient to determine the role of this variant in disease. Therefore, it has been classified as a Variant of Uncertain Significance. Algorithms developed to predict the effect of missense changes on protein structure and function (SIFT, PolyPhen-2, Align-GVGD) all suggest that this variant is likely to be tolerated. ClinVar contains an entry for this variant (Variation ID: 819156). This variant is not present in population databases (gnomAD no frequency). This sequence change replaces aspartic acid, which is acidic and polar, with glycine, which is neutral and non-polar, at codon 472 of the RAD50 protein (p.Asp472Gly).